The following is an entry in ClinVar:

NM_001384732.1(CPLANE1):c.2746+5G>A

Gene: CPLANE1 (ciliogenesis and planar polarity effector complex subunit 1; minus strand). Cytogenetic location: 5p13.2.
Variant type: single nucleotide variant.
Coding change: c.2746+5G>A on transcript NM_001384732.1 (MANE Select); 5 bases into the intron after coding-DNA position 2746, G replaced by A.
Molecular consequence: intron variant.
Genome position (GRCh38, 1-based): chr5:37,221,319, C>T on the plus strand (G>A on the coding strand, the complement: CPLANE1 is on the minus strand). VCF-style: chr5-37221319-C-T. GRCh37 (hg19) VCF-style: chr5-37221421-C-T.
Other names: c.2746+5G>A (NM_023073.4).
Identifiers: ClinVar variation 1998206 (VCV001998206.4), dbSNP rs2548499630, ClinGen allele CA2580073236.

ClinVar aggregate classification (germline): Uncertain significance (1 of 4 stars; one submission).

Submission:

Labcorp Genetics (formerly Invitae), Labcorp
Classification: Uncertain significance. Last evaluated: 2022-05-24. Review status: criteria provided, single submitter. Criteria: Invitae Variant Classification Sherloc (09022015). Collection method: clinical testing. Allele origin: germline.
Comment: In summary, the available evidence is currently insufficient to determine the role of this variant in disease. Therefore, it has been classified as a Variant of Uncertain Significance. Variants that disrupt the consensus splice site are a relatively common cause of aberrant splicing (PMID: 17576681, 9536098). Algorithms developed to predict the effect of sequence changes on RNA splicing suggest that this variant is not likely to affect RNA splicing. This variant has not been reported in the literature in individuals affected with CPLANE1-related conditions. This variant is not present in population databases (gnomAD no frequency). This sequence change falls in intron 15 of the CPLANE1 gene. It does not directly change the encoded amino acid sequence of the CPLANE1 protein. It affects a nucleotide within the consensus splice site.

Literature cited by the submitters: PubMed 17576681; PubMed 9536098.